The following is an entry in ClinVar:

ClinVar aggregate classification (germline): Uncertain significance (1 of 4 stars; one submission).

Conditions:
PLXNA4-related disorder. Also called: PLXNA4-related condition.

gnomAD v4.1: 21 of 1,613,918 alleles (0.0013%); highest among the groups gnomAD compares: Middle Eastern, 0.016%; no homozygotes.

Submission:

PreventionGenetics, part of Exact Sciences
Classification: Uncertain significance for PLXNA4-related condition. Last evaluated: 2025-05-09. Review status: criteria provided, single submitter. Criteria: ACMG Guidelines, 2015. Collection method: clinical testing. Allele origin: germline.
Comment: The PLXNA4 c.1126C>T variant is predicted to result in the amino acid substitution p.Arg376Trp. To our knowledge, this variant has not been reported in the literature. This variant is reported in 0.0046% of alleles in individuals of European (Finnish) descent in gnomAD. At this time, the clinical significance of this variant is uncertain due to the absence of conclusive functional and genetic evidence.

NM_020911.2(PLXNA4):c.1126C>T (p.Arg376Trp)

Gene: PLXNA4 (plexin A4; minus strand). Cytogenetic location: 7q32.3.
Variant type: single nucleotide variant.
Coding change: c.1126C>T on transcript NM_020911.2 (MANE Select); coding-DNA position 1126, C replaced by T.
Protein change: p.Arg376Trp; replaces arginine 376 with tryptophan.
Molecular consequence: missense variant.
Genome position (GRCh38, 1-based): chr7:132,507,568, G>A on the plus strand (C>T on the coding strand, the complement: PLXNA4 is on the minus strand). VCF-style: chr7-132507568-G-A. GRCh37 (hg19) VCF-style: chr7-132192327-G-A.
Other names: c.1126C>T, p.Arg376Trp (NM_001105543.2, NM_001393897.1, NM_181775.4); short protein forms R376W.
Identifiers: ClinVar variation 4979139 (VCV004979139.1).